The following is an entry in ClinVar:

NM_000551.4(VHL):c.340+729A>C

Genes: VHL (von Hippel-Lindau tumor suppressor; plus strand), LOC107303340 (3p25 von Hippel-Lindau tumor suppressor, E3 ubiquitin protein ligase Alu-mediated recombination region; plus strand). Cytogenetic location: 3p25.3.
Variant type: single nucleotide variant.
Coding change: c.340+729A>C on transcript NM_000551.4 (MANE Select); 729 bases into the intron after coding-DNA position 340, A replaced by C.
Molecular consequence: intron variant. On other transcripts: missense variant (1).
Genome position (GRCh38, 1-based): chr3:10,142,916, A>C. VCF-style: chr3-10142916-A-C. GRCh37 (hg19) VCF-style: chr3-10184600-A-C.
Other names: c.494A>C, p.Tyr165Ser (NM_001354723.2); c.340+729A>C (NM_198156.3); short protein forms Y165S.
Identifiers: ClinVar variation 1506327 (VCV001506327.8), dbSNP rs2125126034, ClinGen allele CA2573136124.

ClinVar aggregate classification (germline): Uncertain significance (1 of 4 stars; one submission).

Conditions:
Chuvash polycythemia. Also called: POLYCYTHEMIA, VHL-DEPENDENT. Identifiers: Orphanet 238557, MedGen C1837915, MONDO:0009892, OMIM 263400.
Von Hippel-Lindau syndrome (VHLS). Also called: Von Hippel-Lindau; VHL syndrome; von Hippel–Lindau syndrome. Identifiers: Orphanet 892, MedGen C0019562, MONDO:0008667, OMIM 193300. Disease mechanism: loss of function.

Submission:

Labcorp Genetics (formerly Invitae), Labcorp
Classification: Uncertain significance for Von Hippel-Lindau syndrome; Chuvash polycythemia. Last evaluated: 2022-04-01. Review status: criteria provided, single submitter. Criteria: Invitae Variant Classification Sherloc (09022015). Collection method: clinical testing. Allele origin: germline.
Comment: In summary, the available evidence is currently insufficient to determine the role of this variant in disease. Therefore, it has been classified as a Variant of Uncertain Significance. Algorithms developed to predict the effect of sequence changes on RNA splicing suggest that this variant is not likely to affect RNA splicing. This variant has not been reported in the literature in individuals affected with VHL-related conditions. This variant is not present in population databases (gnomAD no frequency). This sequence change falls in intron 1 of the VHL gene. It is not expected to change the encoded amino acid sequence of the VHL protein. However, this sequence change falls within a cryptic exon in the VHL gene, known as exon E1’, which is naturally expressed at low levels in several human tissues (PMID: 29891534).

Literature cited by the submitters: PubMed 29891534.